The following is an entry in ClinVar:

NM_001035.3(RYR2):c.13564-41A>G

Gene: RYR2 (ryanodine receptor 2; plus strand). Cytogenetic location: 1q43.
Variant type: single nucleotide variant.
Coding change: c.13564-41A>G on transcript NM_001035.3 (MANE Select); 41 bases into the intron before coding-DNA position 13564, A replaced by G.
Molecular consequence: intron variant.
Genome position (GRCh38, 1-based): chr1:237,792,064, A>G. VCF-style: chr1-237792064-A-G. GRCh37 (hg19) VCF-style: chr1-237955364-A-G.
Other names: c.13564-41A>G (LRG_402t1).
Identifiers: ClinVar variation 218487 (VCV000218487.33), dbSNP rs114289907, ClinGen allele CA085410.

ClinVar aggregate classification (germline): Benign. Review status: criteria provided, multiple submitters, no conflicts (2 of 4 stars). 9 submissions from 9 submitters: Benign (7). 2 of the submissions do not count toward it. Last evaluated 2026-01-15.

Conditions:
Catecholaminergic polymorphic ventricular tachycardia 1. Also called: RYR2-Related Catecholaminergic Polymorphic Ventricular Tachycardia; VENTRICULAR TACHYCARDIA, CATECHOLAMINERGIC POLYMORPHIC, 1, WITH OR WITHOUT ATRIAL DYSFUNCTION AND/OR DILATED CARDIOMYOPATHY; VENTRICULAR TACHYCARDIA, STRESS-INDUCED POLYMORPHIC 1. Identifiers: Orphanet 3286, MedGen C1631597, MONDO:0011484, OMIM 604772.

Allele frequency attached by ClinVar (database versions not stated): gnomAD exomes 0.03615 and 0.04365; ESP Exome Variant Server 0.03808; gnomAD 0.03849 and 0.04061; TOPMed 0.04147; 1000 Genomes Project 30x 0.05153; 1000 Genomes Project 0.05351; ExAC 0.06296.
gnomAD v4.1: 52,160 of 1,414,876 alleles (3.7%); highest among the groups gnomAD compares: South Asian, 11%; 1,389 homozygotes.

Submissions (9):

Labcorp Genetics (formerly Invitae), Labcorp
Classification: Benign for Catecholaminergic polymorphic ventricular tachycardia 1. Last evaluated: 2026-01-15. Review status: criteria provided, single submitter. Criteria: Invitae Variant Classification Sherloc (09022015). Collection method: clinical testing. Allele origin: germline.

ARUP Laboratories, Molecular Genetics and Genomics, ARUP Laboratories
Classification: Benign. Last evaluated: 2025-07-17. Review status: criteria provided, single submitter. Criteria: ARUP Molecular Germline Variant Investigation Process 2024. Collection method: clinical testing. Allele origin: germline.

GeneDx
Classification: Benign. Last evaluated: 2018-06-14. Review status: criteria provided, single submitter. Criteria: GeneDx Variant Classification (06012015). Collection method: clinical testing. Allele origin: germline. Affected: yes.
Comment: This variant is considered likely benign or benign based on one or more of the following criteria: it is a conservative change, it occurs at a poorly conserved position in the protein, it is predicted to be benign by multiple in silico algorithms, and/or has population frequency not consistent with disease.

Eurofins Ntd Llc (ga)
Classification: Benign. Last evaluated: 2017-01-27. Review status: criteria provided, single submitter. Criteria: EGL Classification Definitions 2015. Collection method: clinical testing. Allele origin: germline. Observed: 1 variant allele, 1 heterozygote.

Genomic Diagnostic Laboratory, Division of Genomic Diagnostics, Children's Hospital of Philadelphia
Classification: Benign for Catecholaminergic polymorphic ventricular tachycardia. Last evaluated: 2015-03-06. Review status: criteria provided, single submitter. Criteria: DGD Variant Analysis Guidelines. Collection method: clinical testing. Allele origin: unknown.

Breakthrough Genomics
Classification: Benign. Review status: criteria provided, single submitter. Criteria: ACMG Guidelines, 2015. Collection method: not provided. Allele origin: germline. Inheritance: Autosomal dominant inheritance. Affected: yes.

PreventionGenetics, part of Exact Sciences
Classification: Benign. Review status: criteria provided, single submitter. Criteria: ACMG Guidelines, 2015. Collection method: clinical testing. Allele origin: germline.

Genome Diagnostics Laboratory, University Medical Center Utrecht
Classification: Benign. Review status: no assertion criteria provided. Collection method: clinical testing. Allele origin: germline. Affected: yes. Study: VKGL Data-share Consensus. Not counted in ClinVar's aggregate classification.

Joint Genome Diagnostic Labs from Nijmegen and Maastricht, Radboudumc and MUMC+
Classification: Likely benign. Review status: no assertion criteria provided. Collection method: clinical testing. Allele origin: germline. Affected: yes. Study: VKGL Data-share Consensus. Not counted in ClinVar's aggregate classification.